The following is an entry in ClinVar:

ClinVar aggregate classification (germline): Uncertain significance (1 of 4 stars; one submission).

Conditions:
Werner syndrome (WRN). Identifiers: Orphanet 902, MedGen C0043119, MONDO:0010196, OMIM 277700.

Submission:

Labcorp Genetics (formerly Invitae), Labcorp
Classification: Uncertain significance for Werner syndrome. Last evaluated: 2022-10-09. Review status: criteria provided, single submitter. Criteria: Invitae Variant Classification Sherloc (09022015). Collection method: clinical testing. Allele origin: germline.
Comment: In summary, the available evidence is currently insufficient to determine the role of this variant in disease. Therefore, it has been classified as a Variant of Uncertain Significance. Algorithms developed to predict the effect of missense changes on protein structure and function are either unavailable or do not agree on the potential impact of this missense change (SIFT: "Not Available"; PolyPhen-2: "Probably Damaging"; Align-GVGD: "Not Available"). This variant has not been reported in the literature in individuals affected with WRN-related conditions. This variant is not present in population databases (gnomAD no frequency). This sequence change replaces lysine, which is basic and polar, with threonine, which is neutral and polar, at codon 191 of the WRN protein (p.Lys191Thr).

NM_000553.6(WRN):c.572A>C (p.Lys191Thr)

Gene: WRN (WRN RecQ like helicase; plus strand). Cytogenetic location: 8p12.
Variant type: single nucleotide variant.
Coding change: c.572A>C on transcript NM_000553.6 (MANE Select); coding-DNA position 572, A replaced by C.
Protein change: p.Lys191Thr; replaces lysine 191 with threonine.
Molecular consequence: missense variant.
Genome position (GRCh38, 1-based): chr8:31,067,100, A>C. VCF-style: chr8-31067100-A-C. GRCh37 (hg19) VCF-style: chr8-30924616-A-C.
Other names: short protein forms K191T.
Identifiers: ClinVar variation 1721327 (VCV001721327.5), dbSNP rs2535887282, ClinGen allele CA370916097.
Genomic context (GRCh38, chr8:31,067,100, plus strand): 5'-GCACAGAGACCTGGAGCCTTAACAGTCTGGTTAAACACCTCTTAGGTAAACAGCTCCTGA[A>C]AGACAAGTCTATCCGCTGTAGCAATTGGAGTAAATTTCCTCTCACTGAGGACCAGAAACT-3'
Protein context (NP_000544.2, residues 181-201): VKHLLGKQLL[Lys191Thr]DKSIRCSNWS